The following is an entry in ClinVar:

NM_017547.4(FOXRED1):c.1399A>C (p.Ser467Arg)

Gene: FOXRED1 (FAD dependent oxidoreductase domain containing 1; plus strand). Cytogenetic location: 11q24.2.
Variant type: single nucleotide variant.
Coding change: c.1399A>C on transcript NM_017547.4 (MANE Select); coding-DNA position 1399, A replaced by C.
Protein change: p.Ser467Arg; replaces serine 467 with arginine.
Molecular consequence: missense variant. On other transcripts: non-coding transcript variant (2).
Genome position (GRCh38, 1-based): chr11:126,277,627, A>C. VCF-style: chr11-126277627-A-C. GRCh37 (hg19) VCF-style: chr11-126147522-A-C.
Other names: short protein forms S467R.
Identifiers: ClinVar variation 2059131 (VCV002059131.1), dbSNP rs200646430, ClinGen allele CA6354456.

ClinVar aggregate classification (germline): Uncertain significance (1 of 4 stars; one submission).

Allele frequency attached by ClinVar (database versions not stated): ExAC 0.00001; gnomAD 0.00001; 1000 Genomes Project 30x 0.00016; 1000 Genomes Project 0.00020.
gnomAD v4.1: 1 of 1,613,740 alleles (0.000062%); highest among the groups gnomAD compares: African/African-American, 0.0013%; no homozygotes.

Submission:

Labcorp Genetics (formerly Invitae), Labcorp
Classification: Uncertain significance. Last evaluated: 2022-02-28. Review status: criteria provided, single submitter. Criteria: Invitae Variant Classification Sherloc (09022015). Collection method: clinical testing. Allele origin: germline.
Comment: This sequence change replaces serine, which is neutral and polar, with arginine, which is basic and polar, at codon 467 of the FOXRED1 protein (p.Ser467Arg). This variant is present in population databases (rs200646430, gnomAD 0.007%). This variant has not been reported in the literature in individuals affected with FOXRED1-related conditions. Advanced modeling of protein sequence and biophysical properties (such as structural, functional, and spatial information, amino acid conservation, physicochemical variation, residue mobility, and thermodynamic stability) performed at Invitae indicates that this missense variant is not expected to disrupt FOXRED1 protein function. In summary, the available evidence is currently insufficient to determine the role of this variant in disease. Therefore, it has been classified as a Variant of Uncertain Significance.